The following continues an entry in ClinVar:

NM_000402.4(G6PD):c.1478G>A (p.Arg493His)

Gene: G6PD. ClinVar aggregate classification (germline): Pathogenic. Pathogenic (26).

Submissions 10 to 23 of 33:

Victorian Clinical Genetics Services, Murdoch Childrens Research Institute
Classification: Pathogenic for Anemia, nonspherocytic hemolytic, due to G6PD deficiency. Last evaluated: 2025-04-29. Review status: criteria provided, single submitter. Criteria: ACMG Guidelines, 2015. Collection method: clinical testing. Allele origin: germline. Affected: no.
Comment: This variant is classified as Pathogenic. Evidence in support of pathogenic classification: Variant is present in gnomAD (v2) <0.01 for a recessive condition (71 heterozygotes, 1 homozygote, 33 hemizygotes); This variant has strong previous evidence of pathogenicity in unrelated individuals. Also known as the Kaiping variant, it is one the most common pathogenic alleles amongst the Chinese population; and is classified as a WHO class II variant (severe deficiency) (PMID: 33051526). In addition, it is consistently classified as pathogenic by diagnostic laboratories in ClinVar; Missense variant consistently predicted to be damaging by multiple in silico tools or highly conserved with a major amino acid change. Additional information: Variant is predicted to result in a missense amino acid change from arginine to histidine; This variant is heterozygous; This gene is associated with X-linked recessive disease. Hemizygous males and homozygous females are commonly affected, however some heterozygous females can also be affected depending on X inactivation; An alternative amino acid change at the same position has been observed in gnomAD (v2) (0 heterozygotes, 0 homozygotes, 1 hemizygote); Variant is located in the annotated glucose-6-phosphate dehydrogenase, C-terminal domain(DECIPHER); Loss of function is a known mechanism of disease in this gene and is associated with G6PD deficient congenital nonspherocytic haemolytic anaemia 1 (MIM#300908).

Revvity Omics, Revvity
Classification: Pathogenic for Anemia, nonspherocytic hemolytic, due to G6PD deficiency. Last evaluated: 2024-09-16. Review status: criteria provided, single submitter. Criteria: ACMG Guidelines, 2015. Collection method: clinical testing. Allele origin: germline.

Baylor Genetics
Classification: Pathogenic for Malaria, susceptibility to. Last evaluated: 2024-03-26. Review status: criteria provided, single submitter. Criteria: ACMG Guidelines, 2015. Collection method: clinical testing. Allele origin: unknown.

GeneDx
Classification: Pathogenic. Last evaluated: 2024-03-11. Review status: criteria provided, single submitter. Criteria: GeneDx Variant Classification Process June 2021. Collection method: clinical testing. Allele origin: germline. Affected: yes.
Comment: Observed in hemizygous state in several unrelated patients referred for genetic testing at GeneDx and in published literature and not observed in hemizygous state in controls (PMID: 18270558, 14505231, 9891846); In silico analysis supports that this missense variant has a deleterious effect on protein structure/function; This variant is associated with the following publications: (PMID: 15625830, 8935319, 23313052, 25440321, 20236109, 7390473, 29783823, 15766741, 7327562, 18270558, 11793482, 12497642, 15316963, 18046504, 34659341, 21931771, 29339739, 18329300, 24958328, 25775246, 26829728, 29702993, 29783822, 15223006, 17587269, 23006493, 15727905, 21874587, 16155737, 16331553, 16528451, 15476167, 17018380, 16513531, 16329560, 11295127, 16927025, 22938511, 14505231, 1953767, 9891846, 28376293, 31628766, 33069889, 32959227, 34953813, 36071769, 35611242, 29251006, 35193651, 35313968, 12215013, 34272389)

ARUP Laboratories, Molecular Genetics and Genomics, ARUP Laboratories
Classification: Pathogenic. Last evaluated: 2023-12-22. Review status: criteria provided, single submitter. Criteria: ARUP Molecular Germline Variant Investigation Process 2024. Collection method: clinical testing. Allele origin: germline.
Comment: The G6PD c.1388G>A; p.Arg463His variant (rs72554664), also known as G6PD Kaiping, is reported in the literature as a common G6PD deficiency variant in Asian populations (Chiu 1991, Fu 2018, Li 1998, Nuchprayoon 2002). This variant is reported in ClinVar (Variation ID: 100059) and is found in the East Asian population with an allele frequency of 0.70% (104/14,782 alleles, including 32 hemizygotes and a single homozygote) in the Genome Aggregation Database. Computational analyses predict that this variant is deleterious (REVEL: 0.869). Additionally, other variants at this codon (c.1387C>T; p.Arg463Cys, c.1387C>A; p.Arg463Ser) have been reported in individuals with G6PD deficiency (Hirono 1997, Rodrigues 2002). Based on available information, this variant is considered to be pathogenic. References: Chiu DT et al. Two commonly occurring nucleotide base substitutions in Chinese G6PD variants. Biochem Biophys Res Commun. 1991 Oct 31. PMID: 1953767. Fu C et al. Newborn screening of glucose-6-phosphate dehydrogenase deficiency in Guangxi, China: determination of optimal cutoff value to identify heterozygous female neonates. Sci Rep. 2018 Jan 16. PMID: 29339739. Hirono A et al. Molecular analysis of eight biochemically unique glucose-6-phosphate dehydrogenase variants found in Japan. Blood. 1997 Jun 15. PMID: 9192788. Li P et al. Analysis of common mutations and associated haplotypes in Chinese patients with glucose-6-phosphate dehydrogenase deficiency. Biochem Mol Biol Int. 1998 Dec. PMID: 9891846. Nuchprayoon I et al. Glucose-6-phosphate dehydrogenase (G6PD) mutations in Thailand: G6PD Viangchan (871G>A) is the most common deficiency variant in the Thai population. Hum Mutat. 2002 Feb. PMID: 11793482. Rodrigues MO et al. Glucose-6-phosphate dehydrogenase deficiency in Portugal: biochemical and mutational profiles, heterogeneity, and haplotype association. Blood Cells Mol Dis. 2002 Mar-Apr. PMID: 12064920.

Illumina Laboratory Services, Illumina
Classification: Pathogenic for G6PD deficiency. Last evaluated: 2023-04-25. Review status: criteria provided, single submitter. Criteria: ICSLVariantClassificationCriteria RUGD 01 April 2020. Collection method: clinical testing. Allele origin: unknown.
Comment: The G6PD c.1478G>A (p.Arg493His) variant, also known as c.1388G>A (p.Arg463His), or G6PD Kaiping, is a missense variant. In the literature, this variant is reported as one of the most common pathogenic variants associated with glucose-6-phosphate dehydrogenase deficiency in the East Asian population (PMID: 36949502; 33051526). The highest frequency of this allele in the Genome Aggregation Database is 0.007036 in the East Asian population (version 2.1.1). This frequency is high but is consistent with disease prevalence estimates. Multiple lines of computational evidence suggest the variant may impact the gene or gene product. This variant has been classified as pathogenic by at least twelve submitters in ClinVar. Based on the available evidence, the c.1478G>A (p.Arg493His) variant is classified as pathogenic for glucose-6-phosphate dehydrogenase deficiency.

Department of Pathology and Laboratory Medicine, Sinai Health System
Classification: Pathogenic for Anemia, nonspherocytic hemolytic, due to G6PD deficiency. Last evaluated: 2023-02-24. Review status: criteria provided, single submitter. Criteria: ACMG Guidelines, 2015. Collection method: research. Allele origin: germline.

Dunham Lab, University of Washington
Classification: Pathogenic for Anemia, nonspherocytic hemolytic, due to G6PD deficiency. Last evaluated: 2022-08-12. Review status: criteria provided, single submitter. Criteria: Bayesian ACMG Guidelines, 2018. Collection method: curation. Allele origin: inherited. Affected: yes.
Comment: Variant found in unrelated hemizygotes with deficiency, some with anemia, jaundice, and favism, and one with CNSHA (PS4_M, PP4). Segregates with deficiency in a family (PP1). Decreased activity in red blood cells (1-44%) and when expressed in E. coli (PS3). Predicted to be disease causing by Mutation Taster and probably damaging by PolyPhen (PP3). Below expected carrier frequency in gnomAD (PM2). Reported as pathogenic by multiple clinical testing groups (PP5). Post_P 0.999 (odds of pathogenicity 6563, Prior_P 0.1).

Blueprint Genetics
Classification: Pathogenic for G6PD-related disorders. Last evaluated: 2022-08-10. Review status: criteria provided, single submitter. Criteria: ACMG Guidelines, 2015. Collection method: clinical testing. Allele origin: germline. Affected: yes. Observed: 5 variant alleles.

Molecular Genetics, Royal Melbourne Hospital
Classification: Pathogenic for Anemia, nonspherocytic hemolytic, due to G6PD deficiency. Last evaluated: 2022-08-04. Review status: criteria provided, single submitter. Criteria: ACMG Guidelines, 2015. Collection method: clinical testing. Allele origin: germline.
Comment: This sequence change in G6PD is predicted to replace arginine with histidine at codon 463, p.(Arg463His). The arginine residue is highly conserved (100 vertebrates, UCSC), and is located in the C-terminal glucose-6-phosphate dehydrogenase domain. There is a small physicochemical difference between arginine and histidine. The highest population minor allele frequency in gnomAD v2.1 is 0.7% (104/14,782 alleles, 1 homozygote, 32 hemizygotes) in the East Asian population. This variant is the most common cause of glucose-6-phosphate dehydrogenase (G6PD) deficiency in China (also known as Kaiping). It has been detected in hemizygous in affected males and compound heterozygous with a second pathogenic variant or homozygous in affected females. Individuals with this variant display reduced G6PD activity in their cells, with female heterozygous carriers demonstrating moderate deficiency (PMID: 33051526). Multiple lines of computational evidence predict a deleterious effect for the missense substitution (6/6 algorithms). Based on the classification scheme RMH Modified ACMG Guidelines v1.5.1, this variant is classified as PATHOGENIC. Following criteria are met: PM3_VeryStrong, PP3, PP4.

Mendelics
Classification: Pathogenic for Anemia, nonspherocytic hemolytic, due to G6PD deficiency. Last evaluated: 2022-05-04. Review status: criteria provided, single submitter. Criteria: Mendelics Assertion Criteria 2019. Collection method: clinical testing. Allele origin: germline.

Fulgent Genetics
Classification: Pathogenic for Anemia, nonspherocytic hemolytic, due to G6PD deficiency; Malaria, susceptibility to. Last evaluated: 2018-10-31. Review status: criteria provided, single submitter. Criteria: ACMG Guidelines, 2015. Collection method: clinical testing. Allele origin: unknown.

Ambry Genetics
Classification: Pathogenic for Inborn genetic diseases. Last evaluated: 2016-06-10. Review status: criteria provided, single submitter. Criteria: Ambry exome assertion method (8-5-2015). Collection method: clinical testing. Allele origin: germline. Affected: yes. Observed: 1 variant allele.

Eurofins Ntd Llc (ga)
Classification: Pathogenic. Last evaluated: 2013-05-16. Review status: criteria provided, single submitter. Criteria: EGL Classification Definitions. Collection method: clinical testing. Allele origin: germline. Observed: 6 variant alleles, 4 heterozygotes, 2 hemizygotes.